The following is an entry in ClinVar:

NM_001035.3(RYR2):c.3952G>A (p.Val1318Met)

Genes: RYR2 (ryanodine receptor 2; plus strand), LOC126806067 (BRD4-independent group 4 enhancer GRCh37_chr1:237753258-237754457; plus strand). Cytogenetic location: 1q43.
Variant type: single nucleotide variant.
Coding change: c.3952G>A on transcript NM_001035.3 (MANE Select); coding-DNA position 3952, G replaced by A.
Protein change: p.Val1318Met; replaces valine 1318 with methionine.
Molecular consequence: missense variant.
Genome position (GRCh38, 1-based): chr1:237,590,784, G>A. VCF-style: chr1-237590784-G-A. GRCh37 (hg19) VCF-style: chr1-237754084-G-A.
Other names: short protein forms V1318M.
Identifiers: ClinVar variation 1332318 (VCV001332318.3), dbSNP rs1675068916, ClinGen allele CA345397427.

ClinVar aggregate classification (germline): Uncertain significance (1 of 4 stars; one submission).

Conditions:
Cardiomyopathy (CMYO). Also called: Cardiomyopathies. Identifiers: Orphanet 167848, MedGen C0878544, MONDO:0004994, HP:0001638. Inheritance: Various modes of inheritance.

gnomAD v4.1: 1 of 1,613,940 alleles (0.000062%); highest among the groups gnomAD compares: Non-Finnish European, 0.000085%; no homozygotes.

Submission:

Color Diagnostics, LLC DBA Color Health
Classification: Uncertain significance for Cardiomyopathy. Last evaluated: 2024-03-07. Review status: criteria provided, single submitter. Criteria: ACMG Guidelines, 2015. Collection method: clinical testing. Allele origin: germline.
Comment: This missense variant replaces valine with methionine at codon 1318 of the RYR2 protein. Computational prediction suggests that this variant may not impact protein structure and function (internally defined REVEL score threshold <= 0.5, PMID: 27666373). To our knowledge, functional studies have not been reported for this variant. This variant has not been reported in individuals affected with cardiovascular disorders in the literature. This variant has not been identified in the general population by the Genome Aggregation Database (gnomAD). The available evidence is insufficient to determine the role of this variant in disease conclusively. Therefore, this variant is classified as a Variant of Uncertain Significance.